The following is an entry in ClinVar:

ClinVar aggregate classification (germline): Conflicting classifications of pathogenicity. Review status: criteria provided, conflicting classifications (1 of 4 stars). 2 submissions from 2 submitters: Pathogenic (1); Uncertain significance (1). Last evaluated 2024-10-15.

Conditions:
Naxos disease (NXD). Also called: KERATOSIS PALMOPLANTARIS WITH ARRHYTHMOGENIC CARDIOMYOPATHY; MAL DE NAXOS; PALMOPLANTAR KERATODERMA WITH ARRHYTHMOGENIC RIGHT VENTRICULAR CARDIOMYOPATHY AND WOOLLY HAIR; WOOLLY HAIR, PALMOPLANTAR KERATODERMA, AND CARDIAC ABNORMALITIES; CARDIOMYOPATHY, ARRHYTHMOGENIC RIGHT VENTRICULAR, WITH SKIN, HAIR, AND NAIL ABNORMALITIES. Identifiers: Orphanet 34217, MedGen C1832600, MONDO:0011017, OMIM 601214.
Arrhythmogenic right ventricular dysplasia 12. Also called: ARRHYTHMOGENIC RIGHT VENTRICULAR DYSPLASIA, FAMILIAL, 12. Identifiers: MedGen C1969081, MONDO:0012684, OMIM 611528.
Cardiovascular phenotype. Identifiers: MedGen CN230736.

Submissions (2):

Labcorp Genetics (formerly Invitae), Labcorp
Classification: Pathogenic for Arrhythmogenic right ventricular dysplasia 12; Naxos disease. Last evaluated: 2024-10-15. Review status: criteria provided, single submitter. Criteria: Invitae Variant Classification Sherloc (09022015). Collection method: clinical testing. Allele origin: germline.
Comment: This sequence change creates a premature translational stop signal (p.Leu199Trpfs*106) in the JUP gene. It is expected to result in an absent or disrupted protein product. Loss-of-function variants in JUP are known to be pathogenic (PMID: 10902626). This variant is not present in population databases (gnomAD no frequency). This variant has not been reported in the literature in individuals affected with JUP-related conditions. ClinVar contains an entry for this variant (Variation ID: 1750723). For these reasons, this variant has been classified as Pathogenic.

Ambry Genetics
Classification: Uncertain significance for Cardiovascular phenotype. Last evaluated: 2021-12-30. Review status: criteria provided, single submitter. Criteria: Ambry Variant Classification Scheme 2023. Collection method: clinical testing. Allele origin: germline.
Comment: The c.595delC variant, located in coding exon 3 of the JUP gene, results from a deletion of one nucleotide at nucleotide position 595, causing a translational frameshift with a predicted alternate stop codon (p.L199Wfs*106). This alteration is expected to result in loss of function by premature protein truncation or nonsense-mediated mRNA decay. However, although loss of function of JUP is pathogenic with respect to autosomal recessive disease, loss of function has not been clearly established as a mechanism of disease for autosomal dominant arrhythmogenic right ventricular cardiomyopathy (AD ARVC). Since evidence supporting a role for this alteration in AD ARVC is limited at this time, the clinical significance of this alteration remains unclear.

Literature cited by the submitters: PubMed 10902626 (cited by Labcorp Genetics (formerly Invitae), Labcorp).

NM_002230.4(JUP):c.595del (p.Leu199fs)

Gene: JUP (junction plakoglobin; minus strand). Cytogenetic location: 17q21.2.
Variant type: Deletion.
Coding change: c.595del on transcript NM_002230.4 (MANE Select); coding-DNA position 595, one base deleted (C; older notation c.595delC).
Protein change: p.Leu199fs; shifts the reading frame from leucine 199.
Molecular consequence: frameshift variant.
Genome position (GRCh38, 1-based): chr17:41,769,081, G deleted on the plus strand (C on the coding strand, the reverse complement: JUP is on the minus strand); the first of 2 consecutive G bases (chr17:41,769,081-41,769,082); deleting either gives the same sequence. VCF-style (leftmost placement, unchanged base first): chr17-41769080-AG-A. GRCh37 (hg19) VCF-style: chr17-39925332-AG-A.
Other names: c.595del, p.Leu199fs (NM_001352773.2, NM_001352774.2, NM_001352775.2 and 3 more transcripts); c.595delC (NM_002230.2); short protein forms L199fs.
Identifiers: ClinVar variation 1750723 (VCV001750723.3), dbSNP rs1916158060, ClinGen allele CA2260175939.
Genomic context (GRCh38, chr17:41,769,080, plus strand): 5'-AGCCCCTCCCGGTGGTGGGAGAGGTTGTGCAGGATGCTGGTGGTGCAGCGGGCTGTGTCC[AG>A]GTCGCTGGTATTCTGCATGGTACGCACGACAGCGGCCACCAGCTGGGGCGAGCCCATCAG-3'